The following is an entry in ClinVar:

ClinVar aggregate classification (germline): Likely benign (1 of 4 stars; one submission).

Allele frequency attached by ClinVar (database versions not stated): gnomAD exomes below 0.00001 and 0.00001; TOPMed below 0.00001.
gnomAD v4.1: 2 of 1,539,190 alleles (0.00013%); highest among the groups gnomAD compares: Admixed American, 0.0039%; no homozygotes.

Submission:

GeneDx
Classification: Likely benign. Last evaluated: 2016-08-17. Review status: criteria provided, single submitter. Criteria: GeneDx Variant Classification (06012015). Collection method: clinical testing. Allele origin: germline. Affected: yes.
Comment: This variant is considered likely benign or benign based on one or more of the following criteria: it is a conservative change, it occurs at a poorly conserved position in the protein, it is predicted to be benign by multiple in silico algorithms, and/or has population frequency not consistent with disease.

NM_001083614.1(EARS2):c.-14C>A

Gene: EARS2 (glutamyl-tRNA synthetase 2, mitochondrial; minus strand). Cytogenetic location: 16p12.2.
Variant type: single nucleotide variant.
Coding change: c.-14C>A on transcript NM_001083614.1; 14 bases upstream of the start codon, C replaced by A.
Molecular consequence: 5 prime UTR variant (on NM_001308211.1).
Genome position (GRCh38, 1-based): chr16:23,557,357, G>T on the plus strand (C>A on the coding strand, the complement: EARS2 is on the minus strand). VCF-style: chr16-23557357-G-T. GRCh37 (hg19) VCF-style: chr16-23568678-G-T.
Other names: c.-14C>A (NM_001308211.1).
Identifiers: ClinVar variation 388262 (VCV000388262.3), dbSNP rs1057523044, ClinGen allele CA16608100.